The following is an entry in ClinVar:

ClinVar aggregate classification (germline): Uncertain significance. Review status: criteria provided, multiple submitters, no conflicts (2 of 4 stars). 3 submissions from 3 submitters: Uncertain significance (3). Last evaluated 2025-10-01.

Conditions:
Maturity-onset diabetes of the young type 6 (MODY6). Identifiers: Orphanet 552, MedGen C1853371, MONDO:0011668, OMIM 606394.
Type 2 diabetes mellitus. Also called: Type II diabetes mellitus. Identifiers: MedGen C0011860, MeSH D003924, MONDO:0005148, OMIM 125853, HP:0005978.

Allele frequency attached by ClinVar (database versions not stated): ExAC 0.00001; gnomAD exomes 0.00001.
gnomAD v4.1: 12 of 1,614,040 alleles (0.00074%); highest among the groups gnomAD compares: South Asian, 0.0033%; no homozygotes.

Submissions (3):

Women's Health and Genetics/Laboratory Corporation of America, LabCorp
Classification: Uncertain significance. Last evaluated: 2025-10-01. Review status: criteria provided, single submitter. Criteria: LabCorp Variant Classification Summary - May 2015. Collection method: clinical testing. Allele origin: germline.
Comment: Variant summary: NEUROD1 c.37G>A (p.Glu13Lys) results in a conservative amino acid change in the encoded protein sequence. Algorithms developed to predict the effect of missense changes on protein structure and function are either unavailable or do not agree on the potential impact of this missense change. The variant allele was found at a frequency of 1.2e-05 in 251398 control chromosomes. The available data on variant occurrences in the general population are insufficient to allow any conclusion about variant significance. To our knowledge, no occurrence of c.37G>A in individuals affected with NEUROD1-related conditions and no experimental evidence demonstrating its impact on protein function have been reported. ClinVar contains an entry for this variant (Variation ID: 899006). Based on the evidence outlined above, the variant was classified as uncertain significance.

Fulgent Genetics
Classification: Uncertain significance for Type 2 diabetes mellitus; Maturity-onset diabetes of the young type 6. Last evaluated: 2024-05-20. Review status: criteria provided, single submitter. Criteria: ACMG Guidelines, 2015. Collection method: clinical testing. Allele origin: germline.

Illumina Laboratory Services, Illumina
Classification: Uncertain significance for Maturity-onset diabetes of the young type 6. Last evaluated: 2018-01-15. Review status: criteria provided, single submitter. Criteria: ICSL Variant Classification Criteria 13 December 2019. Collection method: clinical testing. Allele origin: germline.

NM_002500.5(NEUROD1):c.37G>A (p.Glu13Lys)

Gene: NEUROD1 (neuronal differentiation 1; minus strand). Cytogenetic location: 2q31.3.
Variant type: single nucleotide variant.
Coding change: c.37G>A on transcript NM_002500.5 (MANE Select); coding-DNA position 37, G replaced by A.
Protein change: p.Glu13Lys; replaces glutamic acid 13 with lysine.
Molecular consequence: missense variant.
Genome position (GRCh38, 1-based): chr2:181,678,824, C>T on the plus strand (G>A on the coding strand, the complement: NEUROD1 is on the minus strand). VCF-style: chr2-181678824-C-T. GRCh37 (hg19) VCF-style: chr2-182543551-C-T.
Other names: short protein forms E13K.
Identifiers: ClinVar variation 899006 (VCV000899006.7), dbSNP rs763871039, ClinGen allele CA2011198.